The following is an entry in ClinVar:

NM_006514.4(SCN10A):c.1325T>G (p.Leu442Arg)

Gene: SCN10A (sodium voltage-gated channel alpha subunit 10; minus strand). Cytogenetic location: 3p22.2.
Variant type: single nucleotide variant.
Coding change: c.1325T>G on transcript NM_006514.4 (MANE Select); coding-DNA position 1325, T replaced by G.
Protein change: p.Leu442Arg; replaces leucine 442 with arginine.
Molecular consequence: missense variant.
Genome position (GRCh38, 1-based): chr3:38,755,924, A>C on the plus strand (T>G on the coding strand, the complement: SCN10A is on the minus strand). VCF-style: chr3-38755924-A-C. GRCh37 (hg19) VCF-style: chr3-38797415-A-C.
Other names: c.1325T>G (NM_006514.2); c.1325T>G, p.Leu442Arg (NM_001293306.2, NM_001293307.2); short protein forms L442R.
Identifiers: ClinVar variation 532116 (VCV000532116.6), dbSNP rs1373914068, ClinGen allele CA352169042.

ClinVar aggregate classification (germline): Uncertain significance. Review status: criteria provided, multiple submitters, no conflicts (2 of 4 stars). 2 submissions from 2 submitters: Uncertain significance (2). Last evaluated 2025-04-10.

Conditions:
Brugada syndrome. Also called: Sudden Unexplained Death Syndrome; Sudden Unexplained Nocturnal Death Syndrome (SUNDS); Sudden unexplained nocturnal death syndrome; Sudden unexpected nocturnal death syndrome. Identifiers: Orphanet 130, MedGen C1142166, MONDO:0015263.

Allele frequency attached by ClinVar (database versions not stated): gnomAD exomes below 0.00001; gnomAD 0.00001; TOPMed 0.00001.
gnomAD v4.1: 4 of 1,614,078 alleles (0.00025%); highest among the groups gnomAD compares: African/African-American, 0.0013%; no homozygotes.

Submissions (2):

GeneDx
Classification: Uncertain significance. Last evaluated: 2025-04-10. Review status: criteria provided, single submitter. Criteria: GeneDx Variant Classification Process June 2021. Collection method: clinical testing. Allele origin: germline. Affected: yes.
Comment: Not observed at significant frequency in large population cohorts (gnomAD); In silico analysis indicates that this missense variant does not alter protein structure/function; Has not been previously published as pathogenic or benign to our knowledge

Labcorp Genetics (formerly Invitae), Labcorp
Classification: Uncertain significance for Brugada syndrome. Last evaluated: 2022-03-02. Review status: criteria provided, single submitter. Criteria: Invitae Variant Classification Sherloc (09022015). Collection method: clinical testing. Allele origin: germline.
Comment: In summary, the available evidence is currently insufficient to determine the role of this variant in disease. Therefore, it has been classified as a Variant of Uncertain Significance. Advanced modeling of protein sequence and biophysical properties (such as structural, functional, and spatial information, amino acid conservation, physicochemical variation, residue mobility, and thermodynamic stability) performed at Invitae indicates that this missense variant is not expected to disrupt SCN10A protein function. ClinVar contains an entry for this variant (Variation ID: 532116). This variant has not been reported in the literature in individuals affected with SCN10A-related conditions. This variant is present in population databases (no rsID available, gnomAD 0.0009%). This sequence change replaces leucine, which is neutral and non-polar, with arginine, which is basic and polar, at codon 442 of the SCN10A protein (p.Leu442Arg).